The following continues an entry in ClinVar:

NM_032043.3(BRIP1):c.797C>T (p.Thr266Met)

Gene: BRIP1. ClinVar aggregate classification (germline): Uncertain significance. Uncertain significance (16).

Submissions 11 to 18 of 18:

KCCC/NGS Laboratory, Kuwait Cancer Control Center
Classification: Uncertain significance for Familial cancer of breast. Last evaluated: 2023-07-07. Review status: criteria provided, single submitter. Criteria: ACMG Guidelines, 2015. Collection method: clinical testing. Allele origin: unknown. Affected: yes.
Comment: This sequence change replaces threonine, which is neutral and polar, with methionine, which is neutral and non-polar, at codon 266 of the BRIP1 protein (p.Thr266Met). This amino acid position is highly conserved ( PhyloP=9.12) . This variant is present in population databases (rs550031006, gnomAD 0.01%). This missense change has been observed in individual(s) with prostate cancer (PMID: 31214711). ClinVar contains an entry for this variant (Variation ID: 128196). Algorithms developed to predict the effect of missense changes on protein structure and function are either unavailable or do not agree on the potential impact of this missense change (SIFT: "Tolerated"; PolyPhen-2: "Probably Damaging").Functional studies have not been performed for this variant. In summary, the available evidence is currently insufficient to determine the role of this variant in disease. Therefore, it has been classified as a Variant of Uncertain Significance.

CHEO Genetics Diagnostic Laboratory, Children's Hospital of Eastern Ontario
Classification: Uncertain significance for Breast and/or ovarian cancer. Last evaluated: 2023-06-05. Review status: criteria provided, single submitter. Criteria: ACMG Guidelines, 2015. Collection method: clinical testing. Allele origin: germline.

Myriad Genetics, Inc.
Classification: Uncertain significance for Familial cancer of breast. Last evaluated: 2023-03-02. Review status: criteria provided, single submitter. Criteria: Myriad Autosomal Dominant, Autosomal Recessive and X-Linked Classification Criteria (2023). Collection method: clinical testing. Allele origin: unknown.
Comment: This variant is classified as a variant of uncertain significance as there is insufficient evidence to determine its impact on protein function and/or cancer risk.

Department of Pathology and Laboratory Medicine, Sinai Health System
Classification: Uncertain significance for Familial cancer of breast. Last evaluated: 2022-03-14. Review status: criteria provided, single submitter. Criteria: ACMG Guidelines, 2015. Collection method: clinical testing. Allele origin: germline. Affected: yes.

Sema4
Classification: Uncertain significance for Hereditary cancer-predisposing syndrome. Last evaluated: 2021-10-15. Review status: criteria provided, single submitter. Criteria: Sema4 Curation Guidelines. Collection method: curation. Allele origin: germline.
Comment: The BRIP1 c.797C>T (p.T266M) variant has been reported in heterozygosity in an individual with breast cancer as well as in a control (PMID: 33120919, 26921362). It has also been observed in both cases and controls in case-control studies evaluating breast cancer and prostate cancer (PMID: 33471991, 31214711). It was observed in 1/10356 chromosomes of the Ashkenazi Jewish subpopulation in the large and broad cohorts of the Genome Aggregation Database (PMID: 32461654). The variant has been reported in ClinVar (Variation ID 128196). Functional studies have not been performed, and in silico predictions of the variant's effect on protein function are inconclusive. The evidence is insufficient to meet ACMG/AMP criteria for classifying the variant as benign or pathogenic. Thus, the clinical significance of this variant is currently uncertain.

Fulgent Genetics
Classification: Uncertain significance for Familial cancer of breast; Fanconi anemia complementation group J. Last evaluated: 2018-10-31. Review status: criteria provided, single submitter. Criteria: ACMG Guidelines, 2015. Collection method: clinical testing. Allele origin: unknown.

Leiden Open Variation Database
Classification: Uncertain significance. Last evaluated: 2019-08-13. Review status: no assertion criteria provided. Collection method: curation. Allele origin: germline. Affected: yes. Not counted in ClinVar's aggregate classification.
Comment: Curator: Arleen D. Auerbach. Submitter to LOVD: Yukihide Momozawa.

Counsyl
Classification: Uncertain significance for Fanconi anemia complementation group J; Ovarian cancer. Last evaluated: 2017-04-05. Review status: no assertion criteria provided. Collection method: clinical testing. Allele origin: unknown. Not counted in ClinVar's aggregate classification.

Literature cited by the submitters: PubMed 30306255 (cited by Labcorp Genetics (formerly Invitae), Labcorp and Women's Health and Genetics/Laboratory Corporation of America, LabCorp); PubMed 31214711 (cited by 7 submitters); PubMed 33910496 (cited by Labcorp Genetics (formerly Invitae), Labcorp and Color Diagnostics, LLC DBA Color Health); PubMed 34570441 (cited by 3 submitters); PubMed 35957908 (cited by 4 submitters); PubMed 26921362 (cited by 5 submitters); PubMed 31206626 (cited by Women's Health and Genetics/Laboratory Corporation of America, LabCorp); PubMed 33120919 (cited by Women's Health and Genetics/Laboratory Corporation of America, LabCorp and Sema4); PubMed 33471991 (cited by Color Diagnostics, LLC DBA Color Health and Sema4).